The following is an entry in ClinVar:

ClinVar aggregate classification (germline): Likely benign (1 of 4 stars; one submission).

Allele frequency attached by ClinVar (database versions not stated): gnomAD 0.00001; TOPMed 0.00001; gnomAD exomes 0.00002.
gnomAD v4.1: 22 of 1,542,754 alleles (0.0014%); highest among the groups gnomAD compares: Admixed American, 0.0058%; no homozygotes.

Submission:

CeGaT Center for Human Genetics Tuebingen
Classification: Likely benign. Last evaluated: 2022-03-01. Review status: criteria provided, single submitter. Criteria: CeGaT Center For Human Genetics Tuebingen Variant Classification Criteria Version 2. Collection method: clinical testing. Allele origin: germline. Affected: yes. Observed: 1 variant allele.
Comment: MEGF6: BP4, BP7

NM_001409.4(MEGF6):c.3762C>T (p.Phe1254=)

Gene: MEGF6 (multiple EGF like domains 6; minus strand). Cytogenetic location: 1p36.32.
Variant type: single nucleotide variant.
Coding change: c.3762C>T on transcript NM_001409.4 (MANE Select); coding-DNA position 3762, C replaced by T.
Protein change: p.Phe1254=; no amino-acid change (phenylalanine 1254 retained).
Molecular consequence: synonymous variant.
Genome position (GRCh38, 1-based): chr1:3,495,999, G>A on the plus strand (C>T on the coding strand, the complement: MEGF6 is on the minus strand). VCF-style: chr1-3495999-G-A. GRCh37 (hg19) VCF-style: chr1-3412563-G-A.
Other names: c.3447C>T, p.Phe1149= (NM_001410718.1).
Identifiers: ClinVar variation 2638096 (VCV002638096.24), dbSNP rs928316466, ClinGen allele CA16994351.